The following is an entry in ClinVar:

ClinVar aggregate classification (germline): Uncertain significance (1 of 4 stars; one submission).

Submission:

Women's Health and Genetics/Laboratory Corporation of America, LabCorp
Classification: Uncertain significance. Last evaluated: 2025-10-08. Review status: criteria provided, single submitter. Criteria: LabCorp Variant Classification Summary - May 2015. Collection method: clinical testing. Allele origin: germline.
Comment: Variant summary: FGG c.-3A>C is located in the untranslated mRNA region upstream of the initiation codon. The variant allele was found at a frequency of 3.2e-05 in 249616 control chromosomes. The available data on variant occurrences in the general population are insufficient to allow any conclusion about variant significance. To our knowledge, no occurrence of c.-3A>C in individuals affected with FGG-related conditions and no experimental evidence demonstrating its impact on protein function have been reported. No submitters have cited clinical-significance assessments for this variant to ClinVar. Based on the evidence outlined above, the variant was classified as uncertain significance.

NM_021870.3(FGG):c.-3A>C

Gene: FGG (fibrinogen gamma chain; minus strand). Cytogenetic location: 4q32.1.
Variant type: single nucleotide variant.
Coding change: c.-3A>C on transcript NM_021870.3 (MANE Select); 3 bases upstream of the start codon, A replaced by C.
Molecular consequence: 5 prime UTR variant.
Genome position (GRCh38, 1-based): chr4:154,612,612, T>G on the plus strand (A>C on the coding strand, the complement: FGG is on the minus strand). VCF-style: chr4-154612612-T-G. GRCh37 (hg19) VCF-style: chr4-155533764-T-G.
Other names: c.-3A>C (NM_000509.6).
Identifiers: ClinVar variation 4687467 (VCV004687467.1).